The following is an entry in ClinVar:

ClinVar aggregate classification (germline): Uncertain significance. Review status: criteria provided, multiple submitters, no conflicts (2 of 4 stars). 2 submissions from 2 submitters: Uncertain significance (2). Last evaluated 2024-10-09.

Allele frequency attached by ClinVar (database versions not stated): TOPMed below 0.00001; ExAC 0.00001.
gnomAD v4.1: 9 of 1,611,350 alleles (0.00056%); highest among the groups gnomAD compares: Middle Eastern, 0.033%; no homozygotes.

Submissions (2):

Women's Health and Genetics/Laboratory Corporation of America, LabCorp
Classification: Uncertain significance. Last evaluated: 2024-10-09. Review status: criteria provided, single submitter. Criteria: LabCorp Variant Classification Summary - May 2015. Collection method: clinical testing. Allele origin: germline.
Comment: Variant summary: TTN c.75908C>T (p.Thr25303Ile) results in a non-conservative amino acid change in the encoded protein sequence. Two of four in-silico tools predict a benign effect of the variant on protein function. The variant was absent in 245584 control chromosomes. The available data on variant occurrences in the general population are insufficient to allow any conclusion about variant significance. To our knowledge, no occurrence of c.75908C>T in individuals affected with Limb-Girdle Muscular Dystrophy, Type 2J and no experimental evidence demonstrating its impact on protein function have been reported. ClinVar contains an entry for this variant (Variation ID: 2438206). Based on the evidence outlined above, the variant was classified as uncertain significance.

Revvity Omics, Revvity
Classification: Uncertain significance. Last evaluated: 2023-02-09. Review status: criteria provided, single submitter. Criteria: ACMG Guidelines, 2015. Collection method: clinical testing. Allele origin: germline.

NM_001267550.2(TTN):c.83612C>T (p.Thr27871Ile)

Genes: TTN (titin; minus strand), TTN-AS1 (TTN antisense RNA 1; plus strand). Cytogenetic location: 2q31.2.
Variant type: single nucleotide variant.
Coding change: c.83612C>T on transcript NM_001267550.2 (MANE Select); coding-DNA position 83612, C replaced by T.
Protein change: p.Thr27871Ile; replaces threonine 27871 with isoleucine.
Molecular consequence: missense variant.
Genome position (GRCh38, 1-based): chr2:178,562,520, G>A on the plus strand (C>T on the coding strand, the complement: TTN is on the minus strand). VCF-style: chr2-178562520-G-A. GRCh37 (hg19) VCF-style: chr2-179427247-G-A.
Other names: c.78689C>T, p.Thr26230Ile (NM_001256850.1); c.56417C>T, p.Thr18806Ile (NM_003319.4); c.75908C>T, p.Thr25303Ile (NM_133378.4); c.56792C>T, p.Thr18931Ile (NM_133432.3); c.56993C>T, p.Thr18998Ile (NM_133437.4); short protein forms T18806I, T18931I, T18998I, T25303I, T26230I, T27871I.
Identifiers: ClinVar variation 2438206 (VCV002438206.4), dbSNP rs746421338, ClinGen allele CA1988896.
Genomic context (GRCh38, chr2:178,562,520, plus strand): 5'-CCATCACTTTCTGGTTTCTCCCACTTAATTGTAGCTGTATTACGGGTCACATCAACAAGA[G>A]TTACTCTTCCAGGTGGGAGGGGTGGTTCAGACACTTTAACGGGTTCTGTTGTTTCAGCTG-3'
Protein context (NP_001254479.2, residues 27861-27881): SEPPLPPGRV[Thr27871Ile]LVDVTRNTAT